The following is an entry in ClinVar:

ClinVar aggregate classification (germline): Uncertain significance (1 of 4 stars; one submission).

Conditions:
D-2-hydroxyglutaric aciduria 2 (D2HGA2). Identifiers: Orphanet 79315, MedGen C3150909, MONDO:0013345, OMIM 613657.

gnomAD v4.1: 2 of 1,614,026 alleles (0.00012%); highest among the groups gnomAD compares: African/African-American, 0.0013%; no homozygotes.

Submission:

Labcorp Genetics (formerly Invitae), Labcorp
Classification: Uncertain significance for D-2-hydroxyglutaric aciduria 2. Last evaluated: 2025-07-02. Review status: criteria provided, single submitter. Criteria: Invitae Variant Classification Sherloc (09022015). Collection method: clinical testing. Allele origin: germline.
Comment: This sequence change replaces lysine, which is basic and polar, with methionine, which is neutral and non-polar, at codon 130 of the IDH2 protein (p.Lys130Met). This variant is not present in population databases (gnomAD no frequency). This variant has not been reported in the literature in individuals affected with IDH2-related conditions. ClinVar contains an entry for this variant (Variation ID: 1371025). Invitae Evidence Modeling of protein sequence and biophysical properties (such as structural, functional, and spatial information, amino acid conservation, physicochemical variation, residue mobility, and thermodynamic stability) indicates that this missense variant is expected to disrupt IDH2 protein function with a positive predictive value of 80%. In summary, the available evidence is currently insufficient to determine the role of this variant in disease. Therefore, it has been classified as a Variant of Uncertain Significance.

NM_002168.4(IDH2):c.389A>T (p.Lys130Met)

Gene: IDH2 (isocitrate dehydrogenase (NADP(+)) 2; minus strand). Cytogenetic location: 15q26.1.
Variant type: single nucleotide variant.
Coding change: c.389A>T on transcript NM_002168.4 (MANE Select); coding-DNA position 389, A replaced by T.
Protein change: p.Lys130Met; replaces lysine 130 with methionine.
Molecular consequence: missense variant. On other transcripts: 5 prime UTR variant (1).
Genome position (GRCh38, 1-based): chr15:90,088,732, T>A on the plus strand (A>T on the coding strand, the complement: IDH2 is on the minus strand). VCF-style: chr15-90088732-T-A. GRCh37 (hg19) VCF-style: chr15-90631964-T-A.
Other names: c.233A>T, p.Lys78Met (NM_001289910.1); c.-2A>T (NM_001290114.2); short protein forms K78M, K130M.
Identifiers: ClinVar variation 1371025 (VCV001371025.6), dbSNP rs529638451, ClinGen allele CA274624036.